The following is an entry in ClinVar:

NM_014244.5(ADAMTS2):c.2842G>A (p.Asp948Asn)

Gene: ADAMTS2 (ADAM metallopeptidase with thrombospondin type 1 motif 2; minus strand). Cytogenetic location: 5q35.3.
Variant type: single nucleotide variant.
Coding change: c.2842G>A on transcript NM_014244.5 (MANE Select); coding-DNA position 2842, G replaced by A.
Protein change: p.Asp948Asn; replaces aspartic acid 948 with asparagine.
Molecular consequence: missense variant.
Genome position (GRCh38, 1-based): chr5:179,125,089, C>T on the plus strand (G>A on the coding strand, the complement: ADAMTS2 is on the minus strand). VCF-style: chr5-179125089-C-T. GRCh37 (hg19) VCF-style: chr5-178552090-C-T.
Other names: short protein forms D948N.
Identifiers: ClinVar variation 905624 (VCV000905624.7), dbSNP rs758419331, ClinGen allele CA3595400.

ClinVar aggregate classification (germline): Conflicting classifications of pathogenicity. Review status: criteria provided, conflicting classifications (1 of 4 stars). 4 submissions from 4 submitters: Uncertain significance (3); Benign (1). Last evaluated 2025-02-16.

Conditions:
Ehlers-Danlos syndrome, dermatosparaxis type. Also called: Ehlers-Danlos syndrome, type VII, autosomal recessive; EDS VIIC; Dermatosparaxis. Identifiers: Orphanet 1901, MedGen C2700425, MONDO:0009161, OMIM 225410.

Allele frequency attached by ClinVar (database versions not stated): gnomAD exomes below 0.00001; ExAC 0.00002; gnomAD 0.00169.

Submissions (4):

Laboratory of Genetics, Children's Clinical University Hospital Latvia
Classification: Benign. Last evaluated: 2025-02-16. Review status: criteria provided, single submitter. Criteria: ACMG Guidelines, 2015. Collection method: clinical testing. Allele origin: germline. Affected: yes.

Women's Health and Genetics/Laboratory Corporation of America, LabCorp
Classification: Uncertain significance. Last evaluated: 2023-12-13. Review status: criteria provided, single submitter. Criteria: LabCorp Variant Classification Summary - May 2015. Collection method: clinical testing. Allele origin: germline.
Comment: Variant summary: ADAMTS2 c.2842G>A (p.Asp948Asn) results in a conservative amino acid change in the encoded protein sequence. Five of five in-silico tools predict a benign effect of the variant on protein function. The variant allele was found at a frequency of 4.1e-06 in 245952 control chromosomes (gnomAD). The available data on variant occurrences in the general population are insufficient to allow any conclusion about variant significance. To our knowledge, no occurrence of c.2842G>A in individuals affected with Ehlers-Danlos Syndrome, Type VIIC (Dermatosparaxis) and no experimental evidence demonstrating its impact on protein function have been reported. Two submitters have cited clinical-significance assessments for this variant to ClinVar after 2014. Both submitters classified the variant as uncertain significance. Based on the evidence outlined above, the variant was classified as uncertain significance.

Labcorp Genetics (formerly Invitae), Labcorp
Classification: Uncertain significance for Ehlers-Danlos syndrome, dermatosparaxis type. Last evaluated: 2020-07-18. Review status: criteria provided, single submitter. Criteria: Invitae Variant Classification Sherloc (09022015). Collection method: clinical testing. Allele origin: germline.
Comment: This sequence change replaces aspartic acid with asparagine at codon 948 of the ADAMTS2 protein (p.Asp948Asn). The aspartic acid residue is weakly conserved and there is a small physicochemical difference between aspartic acid and asparagine. This variant is present in population databases (rs758419331, ExAC 0.006%). This variant has not been reported in the literature in individuals with ADAMTS2-related disease. Algorithms developed to predict the effect of missense changes on protein structure and function output the following: SIFT: "Tolerated"; PolyPhen-2: "Benign"; Align-GVGD: "Class C0". The asparagine amino acid residue is found in multiple mammalian species, suggesting that this missense change does not adversely affect protein function. These predictions have not been confirmed by published functional studies and their clinical significance is uncertain. In summary, the available evidence is currently insufficient to determine the role of this variant in disease. Therefore, it has been classified as a Variant of Uncertain Significance.

Illumina Laboratory Services, Illumina
Classification: Uncertain significance for Ehlers-Danlos syndrome, dermatosparaxis type. Last evaluated: 2018-01-12. Review status: criteria provided, single submitter. Criteria: ICSL Variant Classification Criteria 13 December 2019. Collection method: clinical testing. Allele origin: germline.